The following is an entry in ClinVar:

NM_001278716.2(FBXL4):c.137C>G (p.Pro46Arg)

Gene: FBXL4 (F-box and leucine rich repeat protein 4; minus strand). Cytogenetic location: 6q16.2.
Variant type: single nucleotide variant.
Coding change: c.137C>G on transcript NM_001278716.2 (MANE Select); coding-DNA position 137, C replaced by G.
Protein change: p.Pro46Arg; replaces proline 46 with arginine.
Molecular consequence: missense variant. On other transcripts: non-coding transcript variant (2).
Genome position (GRCh38, 1-based): chr6:98,926,852, G>C on the plus strand (C>G on the coding strand, the complement: FBXL4 is on the minus strand). VCF-style: chr6-98926852-G-C. GRCh37 (hg19) VCF-style: chr6-99374728-G-C.
Other names: c.137C>G (NM_012160.3); c.137C>G, p.Pro46Arg (NM_012160.5); short protein forms P46R.
Identifiers: ClinVar variation 437544 (VCV000437544.2), dbSNP rs371782465, ClinGen allele CA3933728.

ClinVar aggregate classification (germline): Uncertain significance. Review status: criteria provided, multiple submitters, no conflicts (2 of 4 stars). 2 submissions from 2 submitters: Uncertain significance (2). Last evaluated 2024-04-10.

Conditions:
Mitochondrial DNA depletion syndrome 13. Also called: FBXL4-Related Encephalomyopathic Mitochondrial DNA Depletion Syndrome; Mitochondrial DNA depletion syndrome 13 (encephalomyopathic type). Identifiers: Orphanet 369897, MedGen C3809592, MONDO:0014198, OMIM 615471.

Allele frequency attached by ClinVar (database versions not stated): gnomAD 0.00006; ESP Exome Variant Server 0.00008; TOPMed 0.00001.
gnomAD v4.1: 17 of 1,614,066 alleles (0.0011%); highest among the groups gnomAD compares: Middle Eastern, 0.016%; no homozygotes.

Submissions (2):

GeneDx
Classification: Uncertain significance. Last evaluated: 2024-04-10. Review status: criteria provided, single submitter. Criteria: GeneDx Variant Classification Process June 2021. Collection method: clinical testing. Allele origin: germline. Affected: yes.
Comment: Not observed at significant frequency in large population cohorts (gnomAD); In silico analysis indicates that this missense variant does not alter protein structure/function; Has not been previously published as pathogenic or benign to our knowledge

Wong Mito Lab, Molecular and Human Genetics, Baylor College of Medicine
Classification: Uncertain significance for Mitochondrial DNA depletion syndrome 13. Last evaluated: 2017-08-10. Review status: criteria provided, single submitter. Criteria: ACMG Guidelines, 2015. Collection method: reference population. Allele origin: germline.
Comment: The NM_012160.4:c.137C>G (NP_036292.2:p.Pro46Arg) [GRCH38: NC_000006.12:g.98926852G>C] variant in FBXL4 gene is interpretated to be a Uncertain Significance - Insufficient Evidence based on ACMG guidelines (PMID: 25741868). This variant meets one or more of the following evidence codes reported in the ACMG-guideline. PM2:This variant is absent in key population databases. Based on this evidence code ClinGen Pathogenicity Calculator (PMID:28081714) suggested that the variant is Uncertain Significance - Insufficient Evidence.